The following is an entry in ClinVar:

ClinVar aggregate classification (germline): Uncertain significance (1 of 4 stars; one submission).

Allele frequency attached by ClinVar (database versions not stated): ESP Exome Variant Server 0.00008; gnomAD 0.00008 and 0.00009; TOPMed 0.00008; gnomAD exomes 0.00014 and 0.00017; ExAC 0.00026.
gnomAD v4.1: 226 of 1,613,572 alleles (0.014%); highest among the groups gnomAD compares: Non-Finnish European, 0.015%; no homozygotes.

Submission:

Labcorp Genetics (formerly Invitae), Labcorp
Classification: Uncertain significance. Last evaluated: 2022-01-28. Review status: criteria provided, single submitter. Criteria: Invitae Variant Classification Sherloc (09022015). Collection method: clinical testing. Allele origin: germline.
Comment: This sequence change creates a premature translational stop signal (p.Arg563*) in the DDX59 gene. While this is not anticipated to result in nonsense mediated decay, it is expected to disrupt the last 57 amino acid(s) of the DDX59 protein. This variant is present in population databases (rs150450531, gnomAD 0.04%). This premature translational stop signal has been observed in individual(s) with clinical features of orofaciodigital syndrome (Invitae). In summary, the available evidence is currently insufficient to determine the role of this variant in disease. Therefore, it has been classified as a Variant of Uncertain Significance.

NM_001031725.6(DDX59):c.1687C>T (p.Arg563Ter)

Gene: DDX59 (DEAD-box helicase 59; minus strand). Cytogenetic location: 1q32.1.
Variant type: single nucleotide variant.
Coding change: c.1687C>T on transcript NM_001031725.6 (MANE Select); coding-DNA position 1687, C replaced by T.
Protein change: p.Arg563Ter; replaces arginine 563 with a stop codon.
Molecular consequence: nonsense. On other transcripts: intron variant (2).
Genome position (GRCh38, 1-based): chr1:200,644,427, G>A on the plus strand (C>T on the coding strand, the complement: DDX59 is on the minus strand). VCF-style: chr1-200644427-G-A. GRCh37 (hg19) VCF-style: chr1-200613555-G-A.
Other names: c.1345C>T, p.Arg449Ter (NM_001320182.1); c.1687C>T, p.Arg563Ter (NM_001349799.3, NM_001349800.3); c.1558C>T, p.Arg520Ter (NM_001349801.3); c.1435C>T, p.Arg479Ter (NM_001349803.3); c.1153C>T, p.Arg385Ter (NM_001349804.2); c.1597-3242C>T (NM_001349802.3); c.1597-3171C>T (NM_001320181.2); short protein forms R385*, R563*, R449*, R520*, R479*.
Identifiers: ClinVar variation 1361305 (VCV001361305.3), dbSNP rs150450531, ClinGen allele CA1318208.